The following is an entry in ClinVar:

ClinVar aggregate classification (germline): Conflicting classifications of pathogenicity. Review status: criteria provided, conflicting classifications (1 of 4 stars). 3 submissions from 3 submitters: Uncertain significance (2); Benign (1). Last evaluated 2025-12-23.

Conditions:
Cataract 6 multiple types. Also called: CATARACT 6, POSTERIOR POLAR; CATARACT 6, CONGENITAL TOTAL; CATARACT, AGE-RELATED CORTICAL, 2. Identifiers: Orphanet 91492, MedGen C1861825, MONDO:0007288, OMIM 116600.
Inborn genetic diseases. Identifiers: MedGen C0950123, MeSH D030342.

Allele frequency attached by ClinVar (database versions not stated): 1000 Genomes Project 30x 0.00016; 1000 Genomes Project 0.00020; gnomAD exomes 0.00039 and 0.00063; ExAC 0.00042; TOPMed 0.00051; gnomAD 0.00056 and 0.00059; ESP Exome Variant Server 0.00085.
gnomAD v4.1: 988 of 1,611,062 alleles (0.061%); highest among the groups gnomAD compares: Non-Finnish European, 0.077%; no homozygotes.

Submissions (3):

Labcorp Genetics (formerly Invitae), Labcorp
Classification: Uncertain significance for Cataract 6 multiple types. Last evaluated: 2025-12-23. Review status: criteria provided, single submitter. Criteria: Invitae Variant Classification Sherloc (09022015). Collection method: clinical testing. Allele origin: germline.
Comment: This sequence change replaces arginine, which is basic and polar, with cysteine, which is neutral and slightly polar, at codon 175 of the EPHA2 protein (p.Arg175Cys). This variant is present in population databases (rs147352564, gnomAD 0.07%). This missense change has been observed in individual(s) with cataracts (PMID: 29267365). ClinVar contains an entry for this variant (Variation ID: 293445). Invitae Evidence Modeling of protein sequence and biophysical properties (such as structural, functional, and spatial information, amino acid conservation, physicochemical variation, residue mobility, and thermodynamic stability) indicates that this missense variant is expected to disrupt EPHA2 protein function with a positive predictive value of 80%. In summary, the available evidence is currently insufficient to determine the role of this variant in disease. Therefore, it has been classified as a Variant of Uncertain Significance.

Ambry Genetics
Classification: Uncertain significance for Inborn genetic diseases. Last evaluated: 2021-08-09. Review status: criteria provided, single submitter. Criteria: Ambry Variant Classification Scheme 2023. Collection method: clinical testing. Allele origin: germline.

Illumina Laboratory Services, Illumina
Classification: Benign for Cataract 6 multiple types. Last evaluated: 2018-01-12. Review status: criteria provided, single submitter. Criteria: ICSL Variant Classification Criteria 13 December 2019. Collection method: clinical testing. Allele origin: germline.
Comment: This variant was observed in the ICSL laboratory as part of a predisposition screen in an ostensibly healthy population. It had not been previously curated by ICSL or reported in the Human Gene Mutation Database (HGMD: prior to June 1st, 2018), and was therefore a candidate for classification through an automated scoring system. Utilizing variant allele frequency, disease prevalence and penetrance estimates, and inheritance mode, an automated score was calculated to assess if this variant is too frequent to cause the disease. Based on the score and internal cut-off values, a variant classified as benign is not then subjected to further curation. The score for this variant resulted in a classification of benign for this disease.

Literature cited by the submitters: PubMed 29267365 (cited by Labcorp Genetics (formerly Invitae), Labcorp).

NM_004431.5(EPHA2):c.523C>T (p.Arg175Cys)

Gene: EPHA2 (EPH receptor A2; minus strand). Cytogenetic location: 1p36.13.
Variant type: single nucleotide variant.
Coding change: c.523C>T on transcript NM_004431.5 (MANE Select); coding-DNA position 523, C replaced by T.
Protein change: p.Arg175Cys; replaces arginine 175 with cysteine.
Molecular consequence: missense variant.
Genome position (GRCh38, 1-based): chr1:16,148,678, G>A on the plus strand (C>T on the coding strand, the complement: EPHA2 is on the minus strand). VCF-style: chr1-16148678-G-A. GRCh37 (hg19) VCF-style: chr1-16475173-G-A.
Other names: c.361C>T, p.Arg121Cys (NM_001329090.2); short protein forms R175C, R121C.
Identifiers: ClinVar variation 293445 (VCV000293445.9), dbSNP rs147352564, ClinGen allele CA625495.
Genomic context (GRCh38, chr1:16,148,678, plus strand): 5'-GGACGGAGAGCAGCGCCACACAGGCACCGATATCCTGGAAGGCCAGGTAGAAGCCTTTGC[G>A]GGTGAGCGGCCCCACGGAGCGCTCCTCCACGTTCAGCTTCACGTGGCGTGCCTCGAAGTC-3'
Protein context (NP_004422.2, residues 165-185): VEERSVGPLT[Arg175Cys]KGFYLAFQDI